The following is an entry in ClinVar:

NM_014679.5(CEP57):c.911T>C (p.Val304Ala)

Gene: CEP57 (centrosomal protein 57; plus strand). Cytogenetic location: 11q21.
Variant type: single nucleotide variant.
Coding change: c.911T>C on transcript NM_014679.5 (MANE Select); coding-DNA position 911, T replaced by C.
Protein change: p.Val304Ala; replaces valine 304 with alanine.
Molecular consequence: missense variant.
Genome position (GRCh38, 1-based): chr11:95,827,811, T>C. VCF-style: chr11-95827811-T-C. GRCh37 (hg19) VCF-style: chr11-95560975-T-C.
Other names: c.884T>C, p.Val295Ala (NM_001243776.2); c.833T>C, p.Val278Ala (NM_001243777.2); c.830T>C, p.Val277Ala (NM_001363604.2); c.911T>C (NM_014679.4); short protein forms V278A, V295A, V304A, V277A.
Identifiers: ClinVar variation 2088921 (VCV002088921.5), dbSNP rs2496324648, ClinGen allele CA382407488.
Genomic context (GRCh38, chr11:95,827,811, plus strand): 5'-TTCAATTACTTCTTTCATCATTTTTCTTCCTTTAGTCCACAAGCCCTAGCCATGCCGTGG[T>C]AGCCAATGTTCAGCTTGTCTTGCATCTAATGAAGCAACACAGTAAAGCTTTGTGCAATGA-3'
Protein context (NP_055494.2, residues 294-314): GKSTSPSHAV[Val304Ala]ANVQLVLHLM

ClinVar aggregate classification (germline): Uncertain significance. Review status: criteria provided, multiple submitters, no conflicts (2 of 4 stars). 2 submissions from 2 submitters: Uncertain significance (2). Last evaluated 2025-02-21.

Conditions:
Inborn genetic diseases. Identifiers: MedGen C0950123, MeSH D030342.
Mosaic variegated aneuploidy syndrome 2 (MVA2). Identifiers: Orphanet 1052, MedGen C3279843, MONDO:0013582, OMIM 614114.

Submissions (2):

Ambry Genetics
Classification: Uncertain significance for Inborn genetic diseases. Last evaluated: 2025-02-21. Review status: criteria provided, single submitter. Criteria: Ambry Variant Classification Scheme 2023. Collection method: clinical testing. Allele origin: germline.
Comment: The p.V304A variant (also known as c.911T>C), located in coding exon 9 of the CEP57 gene, results from a T to C substitution at nucleotide position 911. The valine at codon 304 is replaced by alanine, an amino acid with similar properties. This amino acid position is conserved. In addition, this alteration is predicted to be tolerated by in silico analysis. Based on the available evidence, the clinical significance of this variant remains unclear.

Labcorp Genetics (formerly Invitae), Labcorp
Classification: Uncertain significance for Mosaic variegated aneuploidy syndrome 2. Last evaluated: 2022-03-14. Review status: criteria provided, single submitter. Criteria: Invitae Variant Classification Sherloc (09022015). Collection method: clinical testing. Allele origin: germline.
Comment: This sequence change replaces valine, which is neutral and non-polar, with alanine, which is neutral and non-polar, at codon 304 of the CEP57 protein (p.Val304Ala). This variant is not present in population databases (gnomAD no frequency). In summary, the available evidence is currently insufficient to determine the role of this variant in disease. Therefore, it has been classified as a Variant of Uncertain Significance. Algorithms developed to predict the effect of missense changes on protein structure and function are either unavailable or do not agree on the potential impact of this missense change (SIFT: "Tolerated"; PolyPhen-2: "Probably Damaging"; Align-GVGD: "Class C0"). This variant has not been reported in the literature in individuals affected with CEP57-related conditions.